The following is an entry in ClinVar:

NM_015335.5(MED13L):c.4955+1G>A

Gene: MED13L (mediator complex subunit 13L; minus strand). Cytogenetic location: 12q24.21.
Variant type: single nucleotide variant.
Coding change: c.4955+1G>A on transcript NM_015335.5 (MANE Select); the canonical splice donor site of the intron after coding-DNA position 4955, G replaced by A.
Molecular consequence: splice donor variant.
Genome position (GRCh38, 1-based): chr12:115,983,116, C>T on the plus strand (G>A on the coding strand, the complement: MED13L is on the minus strand). VCF-style: chr12-115983116-C-T. GRCh37 (hg19) VCF-style: chr12-116420921-C-T.
Identifiers: ClinVar variation 2762830 (VCV002762830.3), dbSNP rs2499825770, ClinGen allele CA386882405.
Genomic context (GRCh38, chr12:115,983,116, plus strand): 5'-GAAGAAGAAGAGAGAAAGGGTCTGAGCTGAAGCCACTCATCTCAATTAGTGAATAACATA[C>T]CTCTCTTGTCCATCCTGTGAGGGCTGAGAAGAGCTCTGCCCAGGGTCAGTGTCTCCACCA-3'

ClinVar aggregate classification (germline): Likely pathogenic (1 of 4 stars; one submission).

Conditions:
Dextro-looped transposition of the great arteries. Also called: Dextrotransposition of the great arteries. Identifiers: Orphanet 860, MedGen C3531771, MONDO:0019443, OMIM 608808, HP:0031348.

Submission:

Labcorp Genetics (formerly Invitae), Labcorp
Classification: Likely pathogenic for Dextro-looped transposition of the great arteries. Last evaluated: 2025-07-07. Review status: criteria provided, single submitter. Criteria: Invitae Variant Classification Sherloc (09022015). Collection method: clinical testing. Allele origin: germline.
Comment: This sequence change affects a donor splice site in intron 21 of the MED13L gene. It is expected to disrupt RNA splicing. Variants that disrupt the donor or acceptor splice site typically lead to a loss of protein function (PMID: 16199547), and loss-of-function variants in MED13L are known to be pathogenic (PMID: 25712080, 25758992). This variant is not present in population databases (gnomAD no frequency). This variant has not been reported in the literature in individuals affected with MED13L-related conditions. ClinVar contains an entry for this variant (Variation ID: 2762830). Algorithms developed to predict the effect of sequence changes on RNA splicing suggest that this variant may disrupt the consensus splice site. In summary, the currently available evidence indicates that the variant is pathogenic, but additional data are needed to prove that conclusively. Therefore, this variant has been classified as Likely Pathogenic.

Literature cited by the submitters: PubMed 16199547; PubMed 25712080; PubMed 25758992.